The following is an entry in ClinVar:

ClinVar aggregate classification (germline): Pathogenic (1 of 4 stars; one submission).

Conditions:
MASA syndrome. Also called: CRASH syndrome; ADDUCTED THUMB WITH MENTAL RETARDATION; CLASPED THUMB AND MENTAL RETARDATION; GAREIS-MASON SYNDROME; MENTAL RETARDATION, APHASIA, SHUFFLING GAIT, AND ADDUCTED THUMBS; SPASTIC PARAPLEGIA 1, X-LINKED. Identifiers: Orphanet 2466, MedGen C0795953, MONDO:0010559, OMIM 303350.
X-linked hydrocephalus syndrome (HYCX). Also called: X-Linked Hydrocephalus with Stenosis of the Aqueduct of Sylvius; AQUEDUCTAL STENOSIS, X-LINKED; HYDROCEPHALUS, CONGENITAL, X-LINKED; X-linked hydrocephalus; X-Linked Hydrocephalus with Stenosis of the Aqueduct of Sylvius (HSAS). Identifiers: Orphanet 2182, MedGen C0265216, MONDO:0010611, OMIM 307000.
X-linked complicated corpus callosum dysgenesis. Also called: X-Linked Complicated Corpus Callosum Agenesis. Identifiers: Orphanet 1497, MedGen C1839909, MONDO:0010569, OMIM 304100.

Submission:

Juno Genomics, Hangzhou Juno Genomics, Inc
Classification: Pathogenic for X-linked complicated corpus callosum dysgenesis; X-linked hydrocephalus syndrome; MASA syndrome. Review status: criteria provided, single submitter. Criteria: ACMG Guidelines, 2015. Collection method: clinical testing. Allele origin: germline. Affected: yes.
Comment: Null variant in a gene where loss of function (LOF) is a known mechanism of disease.;Absent from controls (or at extremely low frequency if recessive) in Genome Aggregation Database, Exome Sequencing Project, 1000 Genomes Project, or Exome Aggregation Consortium.;Patient's phenotype or family history is highly specific for a disease with a single genetic etiology.

NM_001278116.2(L1CAM):c.3170_3174del

Gene: L1CAM (L1 cell adhesion molecule; minus strand). Cytogenetic location: Xq28.
Variant type: Microsatellite.
Coding change: c.3170_3174del on transcript NM_001278116.2 (MANE Select); coding-DNA positions 3170 to 3174, 5 bases deleted (AGAAG; older notation c.3170_3174delAGAAG).
Molecular consequence: splice acceptor variant.
Genome position (GRCh38, 1-based): chrX:153,864,470-153,864,474, CTTCT deleted on the plus strand (AGAAG on the coding strand, the reverse complement: L1CAM is on the minus strand); deleting any 5 consecutive bases within chrX:153,864,470-153,864,479 gives the same sequence; the c. name uses the placement nearest the transcript's 3' end. VCF-style (leftmost placement, unchanged base first): chrX-153864469-CCTTCT-C. GRCh37 (hg19) VCF-style: chrX-153129924-CCTTCT-C.
Identifiers: ClinVar variation 3382425 (VCV003382425.2).